The following is an entry in ClinVar:

ClinVar aggregate classification (germline): Conflicting classifications of pathogenicity. Review status: criteria provided, conflicting classifications (1 of 4 stars). 6 submissions from 6 submitters: Uncertain significance (4); Benign (1). 1 of the submissions does not count toward it. Last evaluated 2025-12-14.

Conditions:
Inborn genetic diseases. Identifiers: MedGen C0950123, MeSH D030342.
Nemaline myopathy 2 (NEM2). Also called: Nemaline myopathy 2, autosomal recessive. Identifiers: MedGen C1850569, MONDO:0009725, OMIM 256030.

Allele frequency attached by ClinVar (database versions not stated): gnomAD 0.00003; TOPMed 0.00004; gnomAD exomes 0.00005 and 0.00011; ExAC 0.00007.
gnomAD v4.1: 74 of 1,611,128 alleles (0.0046%); highest among the groups gnomAD compares: Middle Eastern, 0.23%; 1 homozygote.

Submissions (6):

Labcorp Genetics (formerly Invitae), Labcorp
Classification: Benign for Nemaline myopathy 2. Last evaluated: 2025-12-14. Review status: criteria provided, single submitter. Criteria: Invitae Variant Classification Sherloc (09022015). Collection method: clinical testing. Allele origin: germline.

Ambry Genetics
Classification: Uncertain significance for Inborn genetic diseases. Last evaluated: 2025-06-18. Review status: criteria provided, single submitter. Criteria: Ambry Variant Classification Scheme 2023. Collection method: clinical testing. Allele origin: germline.

GeneDx
Classification: Uncertain significance. Last evaluated: 2025-06-06. Review status: criteria provided, single submitter. Criteria: GeneDx Variant Classification Process June 2021. Collection method: clinical testing. Allele origin: germline. Affected: yes.
Comment: In silico analysis supports that this missense variant has a deleterious effect on protein structure/function; Has not been previously published as pathogenic or benign to our knowledge

Revvity Omics, Revvity
Classification: Uncertain significance. Last evaluated: 2023-03-31. Review status: criteria provided, single submitter. Criteria: ACMG Guidelines, 2015. Collection method: clinical testing. Allele origin: germline.

CeGaT Center for Human Genetics Tuebingen
Classification: Uncertain significance. Last evaluated: 2022-03-01. Review status: criteria provided, single submitter. Criteria: CeGaT Center For Human Genetics Tuebingen Variant Classification Criteria Version 2. Collection method: clinical testing. Allele origin: germline. Affected: yes. Observed: 1 variant allele.

Natera, Inc.
Classification: Uncertain significance for Nemaline myopathy type 2. Last evaluated: 2020-02-21. Review status: no assertion criteria provided. Collection method: clinical testing. Allele origin: germline. Not counted in ClinVar's aggregate classification.

NM_001164508.2(NEB):c.20972G>A (p.Arg6991His)

Gene: NEB (nebulin; minus strand). Cytogenetic location: 2q23.3.
Variant type: single nucleotide variant.
Coding change: c.20972G>A on transcript NM_001164508.2 (MANE Select); coding-DNA position 20972, G replaced by A.
Protein change: p.Arg6991His; replaces arginine 6991 with histidine.
Molecular consequence: missense variant.
Genome position (GRCh38, 1-based): chr2:151,538,165, C>T on the plus strand (G>A on the coding strand, the complement: NEB is on the minus strand). VCF-style: chr2-151538165-C-T. GRCh37 (hg19) VCF-style: chr2-152394679-C-T.
Other names: c.20972G>A, p.Arg6991His (NM_001164507.2, NM_001271208.2); c.15869G>A, p.Arg5290His (NM_004543.5); c.15869G>A (NM_004543.4); short protein forms R5290H, R6991H.
Identifiers: ClinVar variation 639414 (VCV000639414.39), dbSNP rs781020561, ClinGen allele CA1907116.